The following is an entry in ClinVar:

ClinVar aggregate classification (germline): Pathogenic/Likely pathogenic. Review status: criteria provided, multiple submitters, no conflicts (2 of 4 stars). 2 submissions from 2 submitters: Pathogenic (1); Likely pathogenic (1). Last evaluated 2025-09-30.

Conditions:
USH2A-related disorder. Also called: USH2A-related condition; USH2A-related disorders. Identifiers: MedGen CN239332.
Usher syndrome type 2A. Also called: RETINAL DISEASE IN USHER SYNDROME TYPE IIA, MODIFIER OF; USHER SYNDROME, TYPE IIA. Identifiers: Orphanet 231178, Orphanet 886, MedGen C1848634, MONDO:0010169, OMIM 276901.

Submissions (2):

Myriad Genetics, Inc.
Classification: Pathogenic for USH2A-related disorder. Last evaluated: 2025-09-30. Review status: criteria provided, single submitter. Criteria: Myriad Autosomal Dominant, Autosomal Recessive and X-Linked Classification Criteria (2023). Collection method: clinical testing. Allele origin: unknown.
Comment: NM_206933.2(USH2A):c.9433_9437del5ins25(L3145Rfs*22) is a frameshift variant classified as pathogenic in the context of USH2A-related disorders. L3145Rfs*22 has been observed in a case with relevant disease (PMID: 33576794, 35836572). Relevant functional assessments of this variant are not available in the literature. L3145Rfs*22 has not been observed in referenced population frequency databases. In summary, NM_206933.2(USH2A):c.9433_9437del5ins25(L3145Rfs*22) is a frameshift variant in a gene where loss of function is a known mechanism of disease, is predicted to disrupt protein function, and has been observed more frequently in cases with the relevant disease than in healthy populations. Please note: this variant was assessed in the context of healthy population screening.

3billion
Classification: Likely pathogenic for Usher syndrome type 2A. Last evaluated: 2025-08-14. Review status: criteria provided, single submitter. Criteria: ACMG Guidelines, 2015. Collection method: clinical testing. Allele origin: germline. Affected: yes.
Comment: The variant is not observed in the gnomAD v4.1.0 dataset. Predicted Consequence/Location: Frameshift: predicted to result in a loss or disruption of normal protein function through nonsense-mediated decay (NMD) or protein truncation. Multiple pathogenic variants are reported downstream of the variant. Therefore, this variant is classified as Likely pathogenic according to the recommendation of ACMG/AMP guideline.

Literature cited by the submitters: PubMed 33576794 (cited by Myriad Genetics, Inc.); PubMed 35836572 (cited by Myriad Genetics, Inc.).

NM_206933.4(USH2A):c.9433_9437delinsAGGAGATCATATCCATTCCATAGGA (p.Leu3145fs)

Gene: USH2A (usherin; minus strand). Cytogenetic location: 1q41.
Variant type: Indel.
Coding change: c.9433_9437delinsAGGAGATCATATCCATTCCATAGGA on transcript NM_206933.4 (MANE Select); coding-DNA positions 9433 to 9437, CTCCT replaced by AGGAGATCATATCCATTCCATAGGA.
Protein change: p.Leu3145fs; shifts the reading frame from leucine 3145.
Molecular consequence: frameshift variant.
Genome position (GRCh38, 1-based): chr1:215,817,130-215,817,134, AGGAG replaced by TCCTATGGAATGGATATGATCTCCT on the plus strand (CTCCT replaced by AGGAGATCATATCCATTCCATAGGA on the coding strand, the reverse complement: USH2A is on the minus strand). VCF-style: chr1-215817130-AGGAG-TCCTATGGAATGGATATGATCTCCT. GRCh37 (hg19) VCF-style: chr1-215990472-AGGAG-TCCTATGGAATGGATATGATCTCCT.
Other names: short protein forms L3145fs.
Identifiers: ClinVar variation 4856212 (VCV004856212.2).